The following is an entry in ClinVar:

NM_006206.6(PDGFRA):c.718A>C (p.Asn240His)

Gene: PDGFRA (platelet derived growth factor receptor alpha; plus strand). Cytogenetic location: 4q12.
Variant type: single nucleotide variant.
Coding change: c.718A>C on transcript NM_006206.6 (MANE Select); coding-DNA position 718, A replaced by C.
Protein change: p.Asn240His; replaces asparagine 240 with histidine.
Molecular consequence: missense variant.
Genome position (GRCh38, 1-based): chr4:54,265,008, A>C. VCF-style: chr4-54265008-A-C. GRCh37 (hg19) VCF-style: chr4-55131175-A-C.
Other names: c.718A>C, p.Asn240His (NM_001347827.2, NM_001347829.2); c.793A>C, p.Asn265His (NM_001347828.2); c.757A>C, p.Asn253His (NM_001347830.2); short protein forms N240H, N253H, N265H.
Identifiers: ClinVar variation 459119 (VCV000459119.8), dbSNP rs1553902944, ClinGen allele CA356890942.

ClinVar aggregate classification (germline): Uncertain significance. Review status: criteria provided, multiple submitters, no conflicts (2 of 4 stars). 2 submissions from 2 submitters: Uncertain significance (2). Last evaluated 2025-12-17.

Conditions:
Hereditary cancer-predisposing syndrome. Also called: Tumor predisposition; Hereditary neoplastic syndrome; Neoplastic Syndromes, Hereditary; Hereditary Cancer Syndrome. Identifiers: Orphanet 140162, MedGen C0027672, MeSH D009386, MONDO:0015356.
Gastrointestinal stromal tumor. Also called: Gastrointestinal stroma tumor; Gastrointestinal stromal tumor, somatic. Identifiers: Orphanet 44890, MedGen C0238198, MeSH D046152, MONDO:0011719, OMIM 606764, HP:0100723.

Allele frequency attached by ClinVar (database versions not stated): gnomAD exomes below 0.00001.
gnomAD v4.1: 2 of 1,613,806 alleles (0.00012%); highest among the groups gnomAD compares: Non-Finnish European, 0.00017%; no homozygotes.

Submissions (2):

Ambry Genetics
Classification: Uncertain significance for Hereditary cancer-predisposing syndrome. Last evaluated: 2025-12-17. Review status: criteria provided, single submitter. Criteria: Ambry Variant Classification Scheme 2023. Collection method: clinical testing. Allele origin: germline.
Comment: The p.N240H variant (also known as c.718A>C), located in coding exon 4 of the PDGFRA gene, results from an A to C substitution at nucleotide position 718. The asparagine at codon 240 is replaced by histidine, an amino acid with similar properties. This amino acid position is well conserved in available vertebrate species. In addition, this alteration is predicted to be tolerated by in silico analysis. Based on the available evidence, the clinical significance of this variant remains unclear.

Labcorp Genetics (formerly Invitae), Labcorp
Classification: Uncertain significance for Gastrointestinal stromal tumor. Last evaluated: 2025-03-11. Review status: criteria provided, single submitter. Criteria: Invitae Variant Classification Sherloc (09022015). Collection method: clinical testing. Allele origin: germline.
Comment: This sequence change replaces asparagine, which is neutral and polar, with histidine, which is basic and polar, at codon 240 of the PDGFRA protein (p.Asn240His). This variant is not present in population databases (gnomAD no frequency). This variant has not been reported in the literature in individuals affected with PDGFRA-related conditions. ClinVar contains an entry for this variant (Variation ID: 459119). Invitae Evidence Modeling of protein sequence and biophysical properties (such as structural, functional, and spatial information, amino acid conservation, physicochemical variation, residue mobility, and thermodynamic stability) indicates that this missense variant is not expected to disrupt PDGFRA protein function with a negative predictive value of 80%. In summary, the available evidence is currently insufficient to determine the role of this variant in disease. Therefore, it has been classified as a Variant of Uncertain Significance.